The following is an entry in ClinVar:

NM_001377540.1(SLMAP):c.828+11del

Gene: SLMAP (sarcolemma associated protein; plus strand). Cytogenetic location: 3p14.3.
Variant type: Deletion.
Coding change: c.828+11del on transcript NM_001377540.1 (MANE Select); 11 bases into the intron after coding-DNA position 828, one base deleted (C; older notation c.828+11delC).
Molecular consequence: intron variant.
Genome position (GRCh38, 1-based): chr3:57,860,850, C deleted. VCF-style (leftmost placement, unchanged base first): chr3-57860849-TC-T. GRCh37 (hg19) VCF-style: chr3-57846576-TC-T.
Other names: c.828+11delC (NM_007159.5); c.828+11del (NM_001377538.1, NM_001377539.1, NM_001377555.1 and 17 more transcripts).
Identifiers: ClinVar variation 1599235 (VCV001599235.9), dbSNP rs113521063, ClinGen allele CA2466923.
Genomic context (GRCh38, chr3:57,860,849, plus strand): 5'-CGGGTTCTTCAGGAGAAAATTGAAGTGGTTAGAAAACTTTCAGAAGTTGAGGTATTTCAA[TC>T]AAAAAAAAAATACTAAATAGTATTATGAGTGTTCAAAAAAATCTCAAGCATTCCAGGATA-3'

ClinVar aggregate classification (germline): Benign. Review status: criteria provided, multiple submitters, no conflicts (2 of 4 stars). 2 submissions from 2 submitters: Benign (2). Last evaluated 2026-02-04.

Conditions:
Brugada syndrome. Also called: Sudden unexpected nocturnal death syndrome; Sudden Unexplained Death Syndrome; Sudden Unexplained Nocturnal Death Syndrome (SUNDS); Sudden unexplained nocturnal death syndrome. Identifiers: Orphanet 130, MedGen C1142166, MONDO:0015263.

Allele frequency attached by ClinVar (database versions not stated): ExAC 0.01320; ESP Exome Variant Server 0.16030; gnomAD 0.00002 and 0.00003; gnomAD exomes 0.00297.

Submissions (2):

Labcorp Genetics (formerly Invitae), Labcorp
Classification: Benign for Brugada syndrome. Last evaluated: 2026-02-04. Review status: criteria provided, single submitter. Criteria: Invitae Variant Classification Sherloc (09022015). Collection method: clinical testing. Allele origin: germline.

Women's Health and Genetics/Laboratory Corporation of America, LabCorp
Classification: Benign. Last evaluated: 2024-05-01. Review status: criteria provided, single submitter. Criteria: LabCorp Variant Classification Summary - May 2015. Collection method: clinical testing. Allele origin: germline.
Comment: Variant summary: SLMAP c.828+11delC alters a non-conserved nucleotide located at a position not widely known to affect splicing. Consensus agreement among computation tools predict no significant impact on normal splicing. However, these predictions have yet to be confirmed by functional studies. The variant allele was found at a frequency of 0.0027 in 1452538 control chromosomes in the gnomAD database, including 1 homozygote (gnomAD v4.1.0). The observed variant frequency is approximately 425 fold of the estimated maximal expected allele frequency for a pathogenic variant in SLMAP causing Arrhythmia phenotype (6.3e-06), strongly suggesting that the variant is benign. To our knowledge, no occurrence of c.828+11delC in individuals affected with Arrhythmia and no experimental evidence demonstrating its impact on protein function have been reported. ClinVar contains an entry for this variant (Variation ID: 1599235). Based on the evidence outlined above, the variant was classified as benign.